The following is an entry in ClinVar:

NM_017849.4(TMEM127):c.245-7T>C

Gene: TMEM127 (transmembrane protein 127; minus strand). Cytogenetic location: 2q11.2.
Variant type: single nucleotide variant.
Coding change: c.245-7T>C on transcript NM_017849.4 (MANE Select); 7 bases into the intron before coding-DNA position 245, T replaced by C.
Molecular consequence: intron variant.
Genome position (GRCh38, 1-based): chr2:96,255,004, A>G on the plus strand (T>C on the coding strand, the complement: TMEM127 is on the minus strand). VCF-style: chr2-96255004-A-G. GRCh37 (hg19) VCF-style: chr2-96920742-A-G.
Other names: c.245-7T>C (NM_001193304.3).
Identifiers: ClinVar variation 1090342 (VCV001090342.11), dbSNP rs1266586655, ClinGen allele CA534371016.
Genomic context (GRCh38, chr2:96,255,004, plus strand): 5'-AGAAGGCGGCGATGACCCGCAGGAGCAGCACTGTCTGGGGATTCATGCAGAAATCTGTAG[A>G]GGGAGAACCAAATTTTCACGGCCCCAAGTAACACTTGGTGCAGGAAGTCCCCACCTAGAA-3'

ClinVar aggregate classification (germline): Likely benign. Review status: criteria provided, multiple submitters, no conflicts (2 of 4 stars). 3 submissions from 3 submitters: Likely benign (3). Last evaluated 2026-07-28.

Conditions:
Hereditary pheochromocytoma and paraganglioma. Also called: Hereditary paragangliomas and pheochromocytomas; Hereditary Paraganglioma-Pheochromocytoma Syndromes; Hereditary pheochromocytoma-paraganglioma. Identifiers: Orphanet 29072, MedGen C4274332, MONDO:0017366.

Allele frequency attached by ClinVar (database versions not stated): gnomAD exomes below 0.00001; TOPMed below 0.00001; gnomAD 0.00001.

Submissions (3):

Myriad Genetics, Inc.
Classification: Likely benign for Hereditary pheochromocytoma and paraganglioma. Last evaluated: 2026-07-28. Review status: criteria provided, single submitter. Criteria: Myriad Autosomal Dominant, Autosomal Recessive and X-Linked Classification Criteria (2023). Collection method: clinical testing. Allele origin: unknown.
Comment: This variant is considered likely benign. This variant is intronic and is not expected to impact mRNA splicing.

Labcorp Genetics (formerly Invitae), Labcorp
Classification: Likely benign for Hereditary pheochromocytoma and paraganglioma. Last evaluated: 2025-09-22. Review status: criteria provided, single submitter. Criteria: Invitae Variant Classification Sherloc (09022015). Collection method: clinical testing. Allele origin: germline.

Blueprint Genetics
Classification: Likely benign. Last evaluated: 2022-01-18. Review status: criteria provided, single submitter. Criteria: ACMG Guidelines, 2015. Collection method: clinical testing. Allele origin: germline.